The following is an entry in ClinVar:

NM_012470.4(TNPO3):c.1270T>A (p.Tyr424Asn)

Gene: TNPO3 (transportin 3; minus strand). Cytogenetic location: 7q32.1.
Variant type: single nucleotide variant.
Coding change: c.1270T>A on transcript NM_012470.4 (MANE Select); coding-DNA position 1270, T replaced by A.
Protein change: p.Tyr424Asn; replaces tyrosine 424 with asparagine.
Molecular consequence: missense variant. On other transcripts: non-coding transcript variant (16).
Genome position (GRCh38, 1-based): chr7:128,992,087, A>T on the plus strand (T>A on the coding strand, the complement: TNPO3 is on the minus strand). VCF-style: chr7-128992087-A-T. GRCh37 (hg19) VCF-style: chr7-128632141-A-T.
Other names: c.1270T>A, p.Tyr424Asn (NM_001191028.3, NM_001382216.1, NM_001382218.1 and 2 more transcripts); c.1351T>A, p.Tyr451Asn (NM_001382217.1); c.1162T>A, p.Tyr388Asn (NM_001382219.1); c.1126T>A, p.Tyr376Asn (NM_001382221.1); c.1123T>A, p.Tyr375Asn (NM_001382222.1); short protein forms Y376N, Y388N, Y451N, Y424N, Y375N.
Identifiers: ClinVar variation 939951 (VCV000939951.10), dbSNP rs758068778, ClinGen allele CA369231849.

ClinVar aggregate classification (germline): Uncertain significance (1 of 4 stars; one submission).

Conditions:
Autosomal dominant limb-girdle muscular dystrophy type 1F (LGMDD2). Also called: Limb-girdle muscular dystrophy, type 1F; MUSCULAR DYSTROPHY, LIMB-GIRDLE, AUTOSOMAL DOMINANT 2. Identifiers: Orphanet 55595, MedGen C1842062, MONDO:0012034, OMIM 608423.

Submission:

Labcorp Genetics (formerly Invitae), Labcorp
Classification: Uncertain significance for Autosomal dominant limb-girdle muscular dystrophy type 1F. Last evaluated: 2022-07-19. Review status: criteria provided, single submitter. Criteria: Invitae Variant Classification Sherloc (09022015). Collection method: clinical testing. Allele origin: germline.
Comment: In summary, the available evidence is currently insufficient to determine the role of this variant in disease. Therefore, it has been classified as a Variant of Uncertain Significance. Algorithms developed to predict the effect of missense changes on protein structure and function (SIFT, PolyPhen-2, Align-GVGD) all suggest that this variant is likely to be tolerated. ClinVar contains an entry for this variant (Variation ID: 939951). This variant has not been reported in the literature in individuals affected with TNPO3-related conditions. This variant is not present in population databases (gnomAD no frequency). This sequence change replaces tyrosine, which is neutral and polar, with asparagine, which is neutral and polar, at codon 424 of the TNPO3 protein (p.Tyr424Asn).